The following is an entry in ClinVar:

NM_001482.3(GATM):c.692C>A (p.Ser231Tyr)

Gene: GATM (glycine amidinotransferase; minus strand). Cytogenetic location: 15q21.1.
Variant type: single nucleotide variant.
Coding change: c.692C>A on transcript NM_001482.3 (MANE Select); coding-DNA position 692, C replaced by A.
Protein change: p.Ser231Tyr; replaces serine 231 with tyrosine.
Molecular consequence: missense variant.
Genome position (GRCh38, 1-based): chr15:45,366,492, G>T on the plus strand (C>A on the coding strand, the complement: GATM is on the minus strand). VCF-style: chr15-45366492-G-T. GRCh37 (hg19) VCF-style: chr15-45658690-G-T.
Other names: c.305C>A, p.Ser102Tyr (NM_001321015.2); short protein forms S102Y, S231Y.
Identifiers: ClinVar variation 3098812 (VCV003098812.4), dbSNP rs202225656, ClinGen allele CA392259387.

ClinVar aggregate classification (germline): Uncertain significance. Review status: criteria provided, multiple submitters, no conflicts (2 of 4 stars). 3 submissions from 3 submitters: Uncertain significance (3). Last evaluated 2024-06-09.

Conditions:
Arginine:glycine amidinotransferase deficiency (CCDS3). Also called: AGAT deficiency; L-Arginine:Glycine Amidinotransferase Deficiency; L-Arginine:Glycine Amidinotransferase (AGAT) Deficiency; Creatine deficiency syndrome due to AGAT deficiency; GATM deficiency; Cerebral creatine deficiency syndrome 3. Identifiers: Orphanet 35704, MedGen C2675179, MONDO:0012996, OMIM 612718.
Fanconi renotubular syndrome 1. Also called: Toni-Debre-Fanconi syndrome; Neonatal De Toni-Debre-Fanconi syndrome; De Toni-Fanconi syndrome; FRTS1; LUDER-SHELDON SYNDROME. Identifiers: MedGen C4551503, MONDO:0024525, OMIM 134600.
Inborn genetic diseases. Identifiers: MedGen C0950123, MeSH D030342.

gnomAD v4.1: 10 of 1,614,086 alleles (0.00062%); highest among the groups gnomAD compares: East Asian, 0.0022%; no homozygotes.

Submissions (3):

Fulgent Genetics
Classification: Uncertain significance for Fanconi renotubular syndrome 1; Arginine:glycine amidinotransferase deficiency. Last evaluated: 2024-06-09. Review status: criteria provided, single submitter. Criteria: ACMG Guidelines, 2015. Collection method: clinical testing. Allele origin: germline.

Labcorp Genetics (formerly Invitae), Labcorp
Classification: Uncertain significance for Arginine:glycine amidinotransferase deficiency. Last evaluated: 2024-02-11. Review status: criteria provided, single submitter. Criteria: Invitae Variant Classification Sherloc (09022015). Collection method: clinical testing. Allele origin: germline.
Comment: This sequence change replaces serine, which is neutral and polar, with tyrosine, which is neutral and polar, at codon 231 of the GATM protein (p.Ser231Tyr). This variant is not present in population databases (gnomAD no frequency). This variant has not been reported in the literature in individuals affected with GATM-related conditions. An algorithm developed to predict the effect of missense changes on protein structure and function (PolyPhen-2) suggests that this variant is likely to be tolerated. In summary, the available evidence is currently insufficient to determine the role of this variant in disease. Therefore, it has been classified as a Variant of Uncertain Significance.

Ambry Genetics
Classification: Uncertain significance for Inborn genetic diseases. Last evaluated: 2023-09-20. Review status: criteria provided, single submitter. Criteria: Ambry Variant Classification Scheme 2023. Collection method: clinical testing. Allele origin: germline.